The following is an entry in ClinVar:

NM_000466.3(PEX1):c.178T>C (p.Trp60Arg)

Gene: PEX1 (peroxisomal biogenesis factor 1; minus strand). Cytogenetic location: 7q21.2.
Variant type: single nucleotide variant.
Coding change: c.178T>C on transcript NM_000466.3 (MANE Select); coding-DNA position 178, T replaced by C.
Protein change: p.Trp60Arg; replaces tryptophan 60 with arginine.
Molecular consequence: missense variant. On other transcripts: 5 prime UTR variant (1).
Genome position (GRCh38, 1-based): chr7:92,522,197, A>G on the plus strand (T>C on the coding strand, the complement: PEX1 is on the minus strand). VCF-style: chr7-92522197-A-G. GRCh37 (hg19) VCF-style: chr7-92151511-A-G.
Other names: c.178T>C, p.Trp60Arg (NM_001282677.2); c.-482T>C (NM_001282678.2); short protein forms W60R.
Identifiers: ClinVar variation 4855620 (VCV004855620.1).

ClinVar aggregate classification (germline): Uncertain significance (1 of 4 stars; one submission).

Conditions:
PEX1-related disorder. Also called: PEX1-related condition.

Submission:

3billion
Classification: Uncertain significance for PEX1-related disorder. Last evaluated: 2025-12-15. Review status: criteria provided, single submitter. Criteria: ACMG Guidelines, 2015. Collection method: clinical testing. Allele origin: germline. Affected: yes.
Comment: The variant is not observed in the gnomAD v4.1.0 dataset. Predicted Consequence/Location: Missense variant. The majority of the known disease-causing variants of this gene are variants expected to result in premature termination of the protein. In silico tool predictions suggest damaging effect of the variant on gene or gene product [REVEL: 0.89 (>=0.6, sensitivity 0.68 and specificity 0.92)]. The variant is in trans with the other variant. Therefore, this variant is classified as VUS according to the recommendation of ACMG/AMP guideline.